The following is an entry in ClinVar:

NM_031483.7(ITCH):c.1497+29G>C

Gene: ITCH (itchy E3 ubiquitin protein ligase; plus strand). Cytogenetic location: 20q11.22.
Variant type: single nucleotide variant.
Coding change: c.1497+29G>C on transcript NM_031483.7 (MANE Select); 29 bases into the intron after coding-DNA position 1497, G replaced by C.
Molecular consequence: intron variant.
Genome position (GRCh38, 1-based): chr20:34,470,149, G>C. VCF-style: chr20-34470149-G-C. GRCh37 (hg19) VCF-style: chr20-33057954-G-C.
Other names: c.1620+29G>C (NM_001324197.2, NM_001257137.3); c.1497+29G>C (NM_001324198.2); c.1167+29G>C (NM_001257138.3).
Identifiers: ClinVar variation 2628157 (VCV002628157.2), dbSNP rs6059856, ClinGen allele CA9821720.

ClinVar aggregate classification (germline): Benign (1 of 4 stars; one submission).

Allele frequency attached by ClinVar (database versions not stated): 1000 Genomes Project 30x 0.44051; 1000 Genomes Project 0.44089; TOPMed 0.47159; ExAC 0.48285; gnomAD 0.49813; ESP Exome Variant Server 0.50484.
gnomAD v4.1: 763,570 of 1,545,090 alleles (49%); highest among the groups gnomAD compares: Middle Eastern, 57%; 191,703 homozygotes.

Submission:

Unidad de Genómica Garrahan, Hospital de Pediatría Garrahan
Classification: Benign. Last evaluated: 2023-11-12. Review status: criteria provided, single submitter. Criteria: ACMG Guidelines, 2015. Collection method: clinical testing. Allele origin: germline. Affected: no. Observed: 53 variant alleles.
Comment: This variant is classified as Benign based on local population frequency. This variant was detected in 55% of patients studied by a panel of primary immunodeficiencies. Number of patients: 53. Only high quality variants are reported.